The following is an entry in ClinVar:

NM_004364.5(CEBPA):c.389G>C (p.Gly130Ala)

Gene: CEBPA (CCAAT enhancer binding protein alpha; minus strand). Cytogenetic location: 19q13.11.
Variant type: single nucleotide variant.
Coding change: c.389G>C on transcript NM_004364.5 (MANE Select); coding-DNA position 389, G replaced by C.
Protein change: p.Gly130Ala; replaces glycine 130 with alanine.
Molecular consequence: missense variant.
Genome position (GRCh38, 1-based): chr19:33,302,026, C>G on the plus strand (G>C on the coding strand, the complement: CEBPA is on the minus strand). VCF-style: chr19-33302026-C-G. GRCh37 (hg19) VCF-style: chr19-33792932-C-G.
Other names: c.32G>C, p.Gly11Ala (NM_001285829.2); c.494G>C, p.Gly165Ala (NM_001287424.2); c.347G>C, p.Gly116Ala (NM_001287435.2); short protein forms G116A, G11A, G130A, G165A.
Identifiers: ClinVar variation 3369176 (VCV003369176.1).
Genomic context (GRCh38, chr19:33,302,026, plus strand): 5'-ACGCGCTCGTACAGGGGCTCCAGCCTGCCGTCCAGGTAGCCGGCGGCCGCGCAGCCGTAG[C>G]CGGGCGGGGGCCCGTGCGCTCCCCCGGGCATGACGGCGCCGCCGGGGCCCGCGGGCGCGC-3'
Protein context (NP_004355.2, residues 120-140): MPGGAHGPPP[Gly130Ala]YGCAAAGYLD

ClinVar aggregate classification (germline): Uncertain significance (1 of 4 stars; one submission).

Submission:

GeneDx
Classification: Uncertain significance. Last evaluated: 2024-02-12. Review status: criteria provided, single submitter. Criteria: GeneDx Variant Classification Process June 2021. Collection method: clinical testing. Allele origin: germline. Affected: yes.
Comment: Not observed at significant frequency in large population cohorts (gnomAD); In silico analysis supports that this missense variant does not alter protein structure/function; Has not been previously published as pathogenic or benign to our knowledge; This variant is associated with the following publications: (PMID: 21455213)